The following is an entry in ClinVar:

ClinVar aggregate classification (germline): Uncertain significance (1 of 4 stars; one submission).

Conditions:
Immunodeficiency 49 (IMD49). Also called: IMMUNODEFICIENCY 49, SEVERE COMBINED; SEVERE COMBINED IMMUNODEFICIENCY, T CELL-NEGATIVE, B CELL-POSITIVE, NK CELL-POSITIVE, WITH INTELLECTUAL DISABILITY, SPASTICITY, AND CRANIOFACIAL ABNORMALITIES; SCID, T CELL-NEGATIVE, B CELL-POSITIVE, NK CELL-POSITIVE, WITH INTELLECTUAL DISABILITY, SPASTICITY, AND CRANIOFACIAL ABNORMALITIES. Identifiers: MedGen C4310656, MONDO:0014981, OMIM 617237.

Allele frequency attached by ClinVar (database versions not stated): gnomAD exomes below 0.00001.
gnomAD v4.1: 1 of 1,614,120 alleles (0.000062%); highest among the groups gnomAD compares: Non-Finnish European, 0.000085%; no homozygotes.

Submission:

Baylor Genetics
Classification: Uncertain significance for Immunodeficiency 49. Last evaluated: 2020-01-16. Review status: criteria provided, single submitter. Criteria: ACMG Guidelines, 2015. Collection method: clinical testing. Allele origin: unknown. Affected: yes.
Comment: This variant was determined to be of uncertain significance according to ACMG Guidelines, 2015 [PMID:25741868].

NM_138576.4(BCL11B):c.296C>T (p.Pro99Leu)

Gene: BCL11B (BCL11 transcription factor B; minus strand). Cytogenetic location: 14q32.2.
Variant type: single nucleotide variant.
Coding change: c.296C>T on transcript NM_138576.4 (MANE Select); coding-DNA position 296, C replaced by T.
Protein change: p.Pro99Leu; replaces proline 99 with leucine.
Molecular consequence: missense variant.
Genome position (GRCh38, 1-based): chr14:99,257,602, G>A on the plus strand (C>T on the coding strand, the complement: BCL11B is on the minus strand). VCF-style: chr14-99257602-G-A. GRCh37 (hg19) VCF-style: chr14-99723939-G-A.
Other names: c.293C>T, p.Pro98Leu (NM_001282237.2, NM_001282238.2); c.296C>T, p.Pro99Leu (NM_022898.3); short protein forms P99L, P98L.
Identifiers: ClinVar variation 1029133 (VCV001029133.1), dbSNP rs1889207328, ClinGen allele CA390939044.
Genomic context (GRCh38, chr14:99,257,602, plus strand): 5'-ACTTGGATCCCGATCTCCACCGGCTCGGACACTTTCCTGAGCTCGGAGCGTGAGGAGGGT[G>A]GCGGGCTGTCCTTGTCCAGGGCCTTGTCATAGCAGGCACCCAAGCTGCCGCCACACTGCT-3'
Protein context (NP_612808.1, residues 89-109): YDKALDKDSP[Pro99Leu]PSSRSELRKV